The following is an entry in ClinVar:

ClinVar aggregate classification (germline): Conflicting classifications of pathogenicity. Review status: criteria provided, conflicting classifications (1 of 4 stars). 4 submissions from 4 submitters: Pathogenic (2); Likely pathogenic (1); Uncertain significance (1). Last evaluated 2024-09-21.
ClinVar aggregate classification (somatic clinical impact): Tier II - Potential (1 of 4 stars; one submission).
ClinVar aggregate classification (oncogenicity): Oncogenic (1 of 4 stars; one submission).

Conditions:
Rubinstein-Taybi syndrome (RSTS). Identifiers: Orphanet 783, MedGen C0035934, MONDO:0019188.
Rubinstein-Taybi syndrome due to CREBBP mutations (RSTS1). Also called: RUBINSTEIN-TAYBI SYNDROME 1, INCOMPLETE; RUBINSTEIN SYNDROME; CREBBP-Related Rubinstein-Taybi Syndrome; BROAD THUMB-HALLUX SYNDROME; Rubinstein-Taybi syndrome 1; BROAD THUMBS AND GREAT TOES, CHARACTERISTIC FACIES, AND IMPAIRED INTELLECTUAL DEVELOPMENT. Identifiers: Orphanet 353277, Orphanet 783, MedGen C4551859, MONDO:0008393, OMIM 180849.
Medulloblastoma WNT activated. Identifiers: MedGen C4331965, MONDO:0850196.
Neoplasm. Also called: Neoplasms; Neoplasm (disease); tumor. Identifiers: MedGen C0027651, MeSH D009369, MONDO:0005070, HP:0002664.

Allele frequency attached by ClinVar (database versions not stated): TOPMed below 0.00001.

Submissions (6):

Center for Genomic Medicine, Rigshospitalet, Copenhagen University Hospital
Classification: Oncogenic for Neoplasm. Last evaluated: 2025-03-04. Review status: criteria provided, single submitter. Criteria: ClinGen/CGC/VICC Guidelines for Oncogenicity, 2022. Collection method: clinical testing. Allele origin: somatic. Affected: yes.

Victorian Clinical Genetics Services, Murdoch Childrens Research Institute
Classification: Pathogenic for Rubinstein-Taybi syndrome due to CREBBP mutations. Last evaluated: 2024-09-21. Review status: criteria provided, single submitter. Criteria: ACMG Guidelines, 2015. Collection method: clinical testing. Allele origin: germline. Inheritance: Autosomal dominant inheritance. Affected: yes.
Comment: Based on the classification scheme VCGS_Germline_v1.3.4, this variant is classified as Pathogenic. Following criteria are met: 0102 - Loss of function is a known mechanism of disease in this gene and is associated with Menke-Hennekam syndrome 1 (MIM#618332) and Rubinstein-Taybi syndrome 1 (MIM#180849). (I) 0107 - This gene is associated with autosomal dominant disease. (I) 0200 - Variant is predicted to result in a missense amino acid change from arginine to cysteine. (I) 0254 - This variant is suspected mosaic. (I) 0301 - Variant is absent from gnomAD (both v2 and v3). (SP) 0501 - Missense variant consistently predicted to be damaging by multiple in silico tools or highly conserved with a major amino acid change. (SP) 0602 - Variant is located in a hotspot region or cluster of pathogenic variants in the histone acetylation protein domain (DECIPHER). (SP) 0704 - Another missense variant comparable to the one identified in this case has limited previous evidence for pathogenicity. Additional changes to leucine and glycine are reported, but neither in the germline context (ClinVar). (SP) 0801 - This variant has strong previous evidence of pathogenicity in unrelated individuals. This variant has been classified as likely pathogenic and pathogenic in ClinVar by clinical laboratories who observed the variant as de novo. This variant was also classified as a VUS by another clinical laboratory in ClinVar. (SP) 1002 - This variant has moderate functional evidence supporting abnormal protein function. Transfected cell lines with this variant showed reduced acetyltransferase activity (PMID: 28970362). (SP) 1208 - Inheritance information for this variant is not currently available in this individual. (I) Legend: (SP) - Supporting pathogenic, (I) - Information, (SB) - Supporting benign

Institute for Genomic Medicine (IGM) Clinical Laboratory, Nationwide Children's Hospital
Classification: Tier II - Potential for Medulloblastoma WNT activated. Assertion type: diagnostic. Clinical significance: supports diagnosis. Last evaluated: 2023-09-19. Review status: criteria provided, single submitter. Criteria: AMP/ASCO/CAP Guidelines, 2017. Collection method: clinical testing. Allele origin: somatic. Affected: yes.
Comment: Variant has Tier II (potential) clinical significance as a diagnostic inclusion criterion in medulloblastoma WNT activated, based on the following evidence: 1) Documented in one or more cancer databases (e.g., St. Jude Pecan, COSMIC, CIViC, OncoKB). 2) Information in the literature supports potential biologic effect of variant (PMID: 28970362). 3) Diagnostic significance based on multiple small studies (Evidence Level C; PMIDs: 22722829, 28726821, 24710217).

Women's Health and Genetics/Laboratory Corporation of America, LabCorp
Classification: Pathogenic for Rubinstein-Taybi syndrome due to CREBBP mutations. Last evaluated: 2021-05-20. Review status: criteria provided, single submitter. Criteria: LabCorp Variant Classification Summary - May 2015. Collection method: clinical testing. Allele origin: germline.
Comment: Variant summary: CREBBP c.4336C>T (p.Arg1446Cys) results in a non-conservative amino acid change located in the CBP/p300-type histone acetyltransferase domain (IPR031162) of the encoded protein sequence. Five of five in-silico tools predict a damaging effect of the variant on protein function. The variant was absent in 251384 control chromosomes (gnomAD). c.4336C>T has been reported in the literature as a somatic mutation in multiple individuals affected with a variety of tumor phenotypes. These reports do not provide unequivocal conclusions about association of the variant with Rubinstein-Taybi Syndrome. In addition, one other ClinVar submitter (evaluation after 2014) classified the variant as Likely Pathogenic, citing a de-novo occurrence observed in a sample submitted to their laboratory. These findings suggest a de-novo etiology for disease. At least one publication reports in-vitro experimental evidence showing that the R1446C variant confers a loss-of-function as indicated by reduced acetyltransferase activity in bladder cancer and HEK293 cell lines (e.g. Duex_2018). Based on the evidence outlined above, the variant was classified as pathogenic.

Labcorp Genetics (formerly Invitae), Labcorp
Classification: Likely pathogenic for Rubinstein-Taybi syndrome. Last evaluated: 2018-04-24. Review status: criteria provided, single submitter. Criteria: Invitae Variant Classification Sherloc (09022015). Collection method: clinical testing. Allele origin: germline.
Comment: This variant is not present in population databases (ExAC no frequency). This sequence change replaces arginine with cysteine at codon 1446 of the CREBBP protein (p.Arg1446Cys). The arginine residue is highly conserved and there is a large physicochemical difference between arginine and cysteine. ClinVar contains an entry for this variant (Variation ID: 95047). In summary, the currently available evidence indicates that the variant is pathogenic, but additional data are needed to prove that conclusively. Therefore, this variant has been classified as Likely Pathogenic. Algorithms developed to predict the effect of missense changes on protein structure and function (SIFT, PolyPhen-2, Align-GVGD) all suggest that this variant is likely to be disruptive, but these predictions have not been confirmed by published functional studies and their clinical significance is uncertain.

Eurofins Ntd Llc (ga)
Classification: Uncertain significance. Last evaluated: 2013-06-11. Review status: criteria provided, single submitter. Criteria: EGL Classification Definitions 2015. Collection method: clinical testing. Allele origin: germline. Observed: 1 variant allele, 1 heterozygote.

Literature cited by the submitters: PubMed 28970362 (cited by 4 submitters); PubMed 22722829 (cited by Institute for Genomic Medicine (IGM) Clinical Laboratory, Nationwide Children's Hospital); PubMed 28726821 (cited by Institute for Genomic Medicine (IGM) Clinical Laboratory, Nationwide Children's Hospital); PubMed 24710217 (cited by Institute for Genomic Medicine (IGM) Clinical Laboratory, Nationwide Children's Hospital); PubMed 23334668 (cited by Women's Health and Genetics/Laboratory Corporation of America, LabCorp); PubMed 23778141 (cited by Women's Health and Genetics/Laboratory Corporation of America, LabCorp); PubMed 23685749 (cited by Women's Health and Genetics/Laboratory Corporation of America, LabCorp); PubMed 26087898 (cited by Women's Health and Genetics/Laboratory Corporation of America, LabCorp); PubMed 27257180 (cited by Women's Health and Genetics/Laboratory Corporation of America, LabCorp); PubMed 26619011 (cited by Women's Health and Genetics/Laboratory Corporation of America, LabCorp); PubMed 29551561 (cited by Women's Health and Genetics/Laboratory Corporation of America, LabCorp); PubMed 33560380 (cited by Women's Health and Genetics/Laboratory Corporation of America, LabCorp); PubMed 21390126 (cited by Eurofins Ntd Llc (ga)); PubMed 21680795 (cited by Eurofins Ntd Llc (ga)); PubMed 21796119 (cited by Eurofins Ntd Llc (ga)); PubMed 22832583 (cited by Eurofins Ntd Llc (ga)).

NM_004380.3(CREBBP):c.4336C>T (p.Arg1446Cys)

Gene: CREBBP (CREB binding lysine acetyltransferase; minus strand). Cytogenetic location: 16p13.3.
Variant type: single nucleotide variant.
Coding change: c.4336C>T on transcript NM_004380.3 (MANE Select); coding-DNA position 4336, C replaced by T.
Protein change: p.Arg1446Cys; replaces arginine 1446 with cysteine.
Molecular consequence: missense variant.
Genome position (GRCh38, 1-based): chr16:3,738,617, G>A on the plus strand (C>T on the coding strand, the complement: CREBBP is on the minus strand). VCF-style: chr16-3738617-G-A. GRCh37 (hg19) VCF-style: chr16-3788618-G-A.
Other names: c.4222C>T, p.Arg1408Cys (NM_001079846.1); short protein forms R1446C, R1408C.
Identifiers: ClinVar variation 95047 (VCV000095047.20), dbSNP rs398124146, ClinGen allele CA222695.
Genomic context (GRCh38, chr16:3,738,617, plus strand): 5'-ACCCTAATTTCTTCACATACTCTAAATATCCAATAAGGATCTCATGGTAAACGGCTGTGC[G>A]GAGGCAACGTGGCCGGAAGAAATGAATACTATCCAGATAAGAAATGTACACACGCCTGTG-3'
Protein context (NP_004371.2, residues 1436-1456): SIHFFRPRCL[Arg1446Cys]TAVYHEILIG